The following is an entry in ClinVar:

NM_052844.4(DYNC2I2):c.1541C>T (p.Thr514Ile)

Gene: DYNC2I2 (dynein 2 intermediate chain 2; minus strand). Cytogenetic location: 9q34.11.
Variant type: single nucleotide variant.
Coding change: c.1541C>T on transcript NM_052844.4 (MANE Select); coding-DNA position 1541, C replaced by T.
Protein change: p.Thr514Ile; replaces threonine 514 with isoleucine.
Molecular consequence: missense variant.
Genome position (GRCh38, 1-based): chr9:128,633,814, G>A on the plus strand (C>T on the coding strand, the complement: DYNC2I2 is on the minus strand). VCF-style: chr9-128633814-G-A. GRCh37 (hg19) VCF-style: chr9-131396093-G-A.
Other names: short protein forms T514I.
Identifiers: ClinVar variation 2082630 (VCV002082630.4), dbSNP rs969885988, ClinGen allele CA375106095.
Genomic context (GRCh38, chr9:128,633,814, plus strand): 5'-ACCTCTGCTGCCAGGCAGTCCAGGTCCTCAGCTTCCCGGGGCCCTTGTTCCGTGAACTCT[G>A]TGCTCAGCTGCCACACCTTCACTGTGCCCTGGGCATCGCCCGCAGCCAAGAGCTGAGTCT-3'
Protein context (NP_443076.2, residues 504-524): QGTVKVWQLS[Thr514Ile]EFTEQGPREA

ClinVar aggregate classification (germline): Uncertain significance (1 of 4 stars; one submission).

Conditions:
Short-rib thoracic dysplasia 11 with or without polydactyly (SRTD11). Also called: SHORT-RIB THORACIC DYSPLASIA 11 WITHOUT POLYDACTYLY. Identifiers: Orphanet 474, Orphanet 93271, MedGen C3810200, MONDO:0014287, OMIM 615633.

Allele frequency attached by ClinVar (database versions not stated): gnomAD exomes 0.00001.
gnomAD v4.1: 14 of 1,613,412 alleles (0.00087%); highest among the groups gnomAD compares: Admixed American, 0.0017%; no homozygotes.

Submission:

Labcorp Genetics (formerly Invitae), Labcorp
Classification: Uncertain significance for Short-rib thoracic dysplasia 11 with or without polydactyly. Last evaluated: 2022-11-22. Review status: criteria provided, single submitter. Criteria: Invitae Variant Classification Sherloc (09022015). Collection method: clinical testing. Allele origin: germline.
Comment: In summary, the available evidence is currently insufficient to determine the role of this variant in disease. Therefore, it has been classified as a Variant of Uncertain Significance. Algorithms developed to predict the effect of missense changes on protein structure and function are either unavailable or do not agree on the potential impact of this missense change (SIFT: "Deleterious"; PolyPhen-2: "Benign"; Align-GVGD: "Class C15"). This variant has not been reported in the literature in individuals affected with WDR34-related conditions. This variant is present in population databases (no rsID available, gnomAD no frequency). This sequence change replaces threonine, which is neutral and polar, with isoleucine, which is neutral and non-polar, at codon 514 of the WDR34 protein (p.Thr514Ile).